The following is an entry in ClinVar:

NM_000257.4(MYH7):c.1407+4A>C

Gene: MYH7 (myosin heavy chain 7; minus strand). Cytogenetic location: 14q11.2.
Variant type: single nucleotide variant.
Coding change: c.1407+4A>C on transcript NM_000257.4 (MANE Select); 4 bases into the intron after coding-DNA position 1407, A replaced by C.
Molecular consequence: intron variant.
Genome position (GRCh38, 1-based): chr14:23,428,951, T>G on the plus strand (A>C on the coding strand, the complement: MYH7 is on the minus strand). VCF-style: chr14-23428951-T-G. GRCh37 (hg19) VCF-style: chr14-23898160-T-G.
Other names: c.1407+4A>C (LRG_384t1).
Identifiers: ClinVar variation 181346 (VCV000181346.14), dbSNP rs373043783, ClinGen allele CA010718.
Genomic context (GRCh38, chr14:23,428,951, plus strand): 5'-AATAGCTGTTGAATGTGGGAGCGAGTGAGTGATTGTTCTCCCACTCCCAGGGGTCCCAAC[T>G]CACATCGAAGATCTCGAAGCCAGCGATGTCCAGGACTCCTATGAAGTACTGGCGTGGCTG-3'

ClinVar aggregate classification (germline): Uncertain significance. Review status: criteria provided, multiple submitters, no conflicts (2 of 4 stars). 5 submissions from 5 submitters: Uncertain significance (5). Last evaluated 2025-06-18.

Conditions:
Cardiovascular phenotype. Identifiers: MedGen CN230736.
Cardiomyopathy (CMYO). Also called: Cardiomyopathies. Identifiers: Orphanet 167848, MedGen C0878544, MONDO:0004994, HP:0001638. Inheritance: Various modes of inheritance.
Hypertrophic cardiomyopathy. Also called: HYPERTROPHIC MYOCARDIOPATHY. Identifiers: Orphanet 217569, MedGen C0007194, MeSH D002312, MONDO:0005045, HP:0001639.

Allele frequency attached by ClinVar (database versions not stated): gnomAD 0.00001; gnomAD exomes 0.00006 and 0.00008; ESP Exome Variant Server 0.00008; ExAC 0.00013.
gnomAD v4.1: 43 of 1,614,062 alleles (0.0027%); highest among the groups gnomAD compares: Non-Finnish European, 0.0025%; no homozygotes.

Submissions (5):

Color Diagnostics, LLC DBA Color Health
Classification: Uncertain significance for Cardiomyopathy. Last evaluated: 2025-06-18. Review status: criteria provided, single submitter. Criteria: ACMG Guidelines, 2015. Collection method: clinical testing. Allele origin: germline.
Comment: This variant causes an A to C nucleotide substitution at the +4 position of intron 14 of the MYH7 gene. To our knowledge, functional studies have not been reported for this variant. This variant has not been reported in individuals affected with MYH7-related disorders in the literature. This variant has been identified in 20/282836 chromosomes in the general population by the Genome Aggregation Database (gnomAD). The available evidence is insufficient to determine the role of this variant in disease conclusively. Therefore, this variant is classified as a Variant of Uncertain Significance.

Ambry Genetics
Classification: Uncertain significance for Cardiovascular phenotype. Last evaluated: 2024-04-27. Review status: criteria provided, single submitter. Criteria: Ambry Variant Classification Scheme 2023. Collection method: clinical testing. Allele origin: germline.
Comment: The c.1407+4A>C intronic variant results from an A to C substitution 4 nucleotides after coding exon 12 in the MYH7 gene. This nucleotide position is well conserved in available vertebrate species. In silico splice site analysis predicts that this alteration will not have any significant effect on splicing. Based on the available evidence, the clinical significance of this variant remains unclear.

Labcorp Genetics (formerly Invitae), Labcorp
Classification: Uncertain significance for Hypertrophic cardiomyopathy. Last evaluated: 2024-03-26. Review status: criteria provided, single submitter. Criteria: Invitae Variant Classification Sherloc (09022015). Collection method: clinical testing. Allele origin: germline.
Comment: This sequence change falls in intron 14 of the MYH7 gene. It does not directly change the encoded amino acid sequence of the MYH7 protein. It affects a nucleotide within the consensus splice site. This variant is present in population databases (rs373043783, gnomAD 0.01%). This variant has not been reported in the literature in individuals affected with MYH7-related conditions. ClinVar contains an entry for this variant (Variation ID: 181346). Variants that disrupt the consensus splice site are a relatively common cause of aberrant splicing (PMID: 17576681, 9536098). Algorithms developed to predict the effect of sequence changes on RNA splicing suggest that this variant is not likely to affect RNA splicing. In summary, the available evidence is currently insufficient to determine the role of this variant in disease. Therefore, it has been classified as a Variant of Uncertain Significance.

Clinical Genetics Laboratory, Skane University Hospital Lund
Classification: Uncertain significance. Last evaluated: 2022-05-27. Review status: criteria provided, single submitter. Criteria: ACMG Guidelines, 2015. Collection method: clinical testing. Allele origin: germline. Affected: yes.

GeneDx
Classification: Uncertain significance. Last evaluated: 2014-02-28. Review status: criteria provided, single submitter. Criteria: GeneDx Variant Classification (06012015). Collection method: clinical testing. Allele origin: germline. Affected: yes.
Comment: c.1407+4 A>C: IVS14+4 A>C in intron 14 of the MYH7 gene (NM_000257.2). A variant of unknown significance has been identified in the MYH7 gene. The c.1407+4 A>C variant has not been published as a mutation, nor has it been reported as a benign polymorphism to our knowledge. In silico splice algorithms predict c.1407+4 A>C may negatively impact the natural splice donor site in intron 14. Splice site mutations in the MYH7 gene have been reported in association with cardiomyopathy, however, the vast majority of mutations in MYH7 are missense changes. Furthermore, various studies have conflicting hypotheses regarding MYH7 haploinsufficiency leading to cardiomyopathy (Nishi H et al., 1995; Waldmuller S et al., 2011). Therefore, based on the currently available information, it is unclear whether this variant is a pathogenic mutation or a rare benign variant. The variant is found in DCM-CRDM panel(s).

Literature cited by the submitters: PubMed 17576681 (cited by Labcorp Genetics (formerly Invitae), Labcorp); PubMed 9536098 (cited by Labcorp Genetics (formerly Invitae), Labcorp).